The following is an entry in ClinVar:

NM_000051.4(ATM):c.5563A>C (p.Asn1855His)

Gene: ATM (ATM serine/threonine kinase; plus strand). Cytogenetic location: 11q22.3.
Variant type: single nucleotide variant.
Coding change: c.5563A>C on transcript NM_000051.4 (MANE Select); coding-DNA position 5563, A replaced by C.
Protein change: p.Asn1855His; replaces asparagine 1855 with histidine.
Molecular consequence: missense variant.
Genome position (GRCh38, 1-based): chr11:108,304,741, A>C. VCF-style: chr11-108304741-A-C. GRCh37 (hg19) VCF-style: chr11-108175468-A-C.
Other names: c.5563A>C, p.Asn1855His (NM_001351834.2); short protein forms N1855H.
Identifiers: ClinVar variation 3654606 (VCV003654606.2).
Genomic context (GRCh38, chr11:108,304,741, plus strand): 5'-ACTGACTTTTGTCAGACTGTACTTCCATACTTGATTCATGATATTTTACTCCAAGATACA[A>C]ATGAATCATGGAGAAATCTGCTTTCTACACATGTTCAGGGATTTTTCACCAGCTGTCTTC-3'
Protein context (NP_000042.3, residues 1845-1865): LIHDILLQDT[Asn1855His]ESWRNLLSTH

ClinVar aggregate classification (germline): Uncertain significance (1 of 4 stars; one submission).

Conditions:
Ataxia-telangiectasia syndrome (AT). Also called: LOUIS-BAR SYNDROME; Cerebello-oculocutaneous telangiectasia; Immunodeficiency with ataxia telangiectasia; ATAXIA-TELANGIECTASIA, COMPLEMENTATION GROUP A; ATAXIA-TELANGIECTASIA, FRESNO VARIANT; Ataxia-telangiectasia, complementation group D. Identifiers: Orphanet 100, MedGen C0004135, MONDO:0008840, OMIM 208900.

Submission:

Labcorp Genetics (formerly Invitae), Labcorp
Classification: Uncertain significance for Ataxia-telangiectasia syndrome. Last evaluated: 2024-05-26. Review status: criteria provided, single submitter. Criteria: Invitae Variant Classification Sherloc (09022015). Collection method: clinical testing. Allele origin: germline.
Comment: This sequence change replaces asparagine, which is neutral and polar, with histidine, which is basic and polar, at codon 1855 of the ATM protein (p.Asn1855His). This variant is not present in population databases (gnomAD no frequency). This variant has not been reported in the literature in individuals affected with ATM-related conditions. Algorithms developed to predict the effect of missense changes on protein structure and function output the following: SIFT: "Not Available"; PolyPhen-2: "Benign"; Align-GVGD: "Not Available". The histidine amino acid residue is found in multiple mammalian species, which suggests that this missense change does not adversely affect protein function. In summary, the available evidence is currently insufficient to determine the role of this variant in disease. Therefore, it has been classified as a Variant of Uncertain Significance.